The following is an entry in ClinVar:

ClinVar aggregate classification (germline): Uncertain significance (1 of 4 stars; one submission).

Allele frequency attached by ClinVar (database versions not stated): gnomAD exomes below 0.00001; ExAC 0.00001; gnomAD 0.00001; TOPMed 0.00001; ESP Exome Variant Server 0.00008.

Submission:

Labcorp Genetics (formerly Invitae), Labcorp
Classification: Uncertain significance. Last evaluated: 2022-08-10. Review status: criteria provided, single submitter. Criteria: Invitae Variant Classification Sherloc (09022015). Collection method: clinical testing. Allele origin: germline.
Comment: In summary, the available evidence is currently insufficient to determine the role of this variant in disease. Therefore, it has been classified as a Variant of Uncertain Significance. Algorithms developed to predict the effect of sequence changes on RNA splicing suggest that this variant may disrupt the consensus splice site. Algorithms developed to predict the effect of missense changes on protein structure and function (SIFT, PolyPhen-2, Align-GVGD) all suggest that this variant is likely to be tolerated. This variant has not been reported in the literature in individuals affected with GTPBP3-related conditions. This variant is present in population databases (rs372801486, gnomAD 0.007%). This sequence change replaces serine, which is neutral and polar, with asparagine, which is neutral and polar, at codon 378 of the GTPBP3 protein (p.Ser378Asn).

NM_032620.4(GTPBP3):c.1037G>A (p.Ser346Asn)

Gene: GTPBP3 (GTP binding protein 3, mitochondrial; plus strand). Cytogenetic location: 19p13.11.
Variant type: single nucleotide variant.
Coding change: c.1037G>A on transcript NM_032620.4 (MANE Select); coding-DNA position 1037, G replaced by A.
Protein change: p.Ser346Asn; replaces serine 346 with asparagine.
Molecular consequence: missense variant. On other transcripts: splice acceptor variant (1).
Genome position (GRCh38, 1-based): chr19:17,341,106, G>A. VCF-style: chr19-17341106-G-A. GRCh37 (hg19) VCF-style: chr19-17451915-G-A.
Other names: c.1103G>A, p.Ser368Asn (NM_001195422.1); c.1133G>A, p.Ser378Asn (NM_133644.4); c.975-1G>A (NM_001128855.3); short protein forms S368N, S378N, S346N.
Identifiers: ClinVar variation 2104157 (VCV002104157.4), dbSNP rs372801486, ClinGen allele CA9293634.
Genomic context (GRCh38, chr19:17,341,106, plus strand): 5'-TAGAGCAGGCTGACCTCATTCTGGCCATGCTGGATGCTTCTGACCTGGCCTCTCCCTCCA[G>A]TTGCAACTTCCTGGCCACCGTCGTAGCCTCTGTGGGAGCCCAGAGCCCCAGTGACAGCAG-3'
Protein context (NP_116009.2, residues 336-356): LDASDLASPS[Ser346Asn]CNFLATVVAS